The following is an entry in ClinVar:

NC_000002.12:g.121530905T>C

Genes: CLASP1 (cytoplasmic linker associated protein 1; minus strand), CLASP1-AS1 (CLASP1 antisense RNA 1; plus strand), RNU4ATAC (RNA, U4atac small nuclear; plus strand). Cytogenetic location: 2q14.2.
Variant type: single nucleotide variant.
Molecular consequence: intron variant (on NM_001395891.1).
Genome position: GRCh38 VCF-style: chr2-121530905-T-C. GRCh37 (hg19) VCF-style: chr2-122288481-T-C.
Other names: c.196-580A>G (NM_001142274.2, NM_015282.3, NM_001378003.1 and 5 more transcripts).
Identifiers: ClinVar variation 1383498 (VCV001383498.6), dbSNP rs992754936, ClinGen allele CA54810795.

ClinVar aggregate classification (germline): Uncertain significance (1 of 4 stars; one submission).

Allele frequency attached by ClinVar (database versions not stated): gnomAD exomes 0.00002.
gnomAD v4.1: 10 of 697,710 alleles (0.0014%); highest among the groups gnomAD compares: East Asian, 0.0027%; no homozygotes.

Submission:

Labcorp Genetics (formerly Invitae), Labcorp
Classification: Uncertain significance. Last evaluated: 2022-10-05. Review status: criteria provided, single submitter. Criteria: Invitae Variant Classification Sherloc (09022015). Collection method: clinical testing. Allele origin: germline.
Comment: Experimental studies and prediction algorithms are not available or were not evaluated, and the functional significance of this variant is currently unknown. In summary, the available evidence is currently insufficient to determine the role of this variant in disease. Therefore, it has been classified as a Variant of Uncertain Significance. ClinVar contains an entry for this variant (Variation ID: 1383498). This variant has not been reported in the literature in individuals affected with RNU4ATAC-related conditions. This variant is present in population databases (no rsID available, gnomAD 0.01%). This variant occurs in the RNU4ATAC gene, which encodes an RNA molecule that does not result in a protein product.